The following is an entry in ClinVar:

NM_024339.5(THOC6):c.435G>A (p.Gly145=)

Gene: THOC6 (THO complex subunit 6; plus strand). Cytogenetic location: 16p13.3.
Variant type: single nucleotide variant.
Coding change: c.435G>A on transcript NM_024339.5 (MANE Select); coding-DNA position 435, G replaced by A.
Protein change: p.Gly145=; no amino-acid change (glycine 145 retained).
Molecular consequence: synonymous variant.
Genome position (GRCh38, 1-based): chr16:3,026,539, G>A. VCF-style: chr16-3026539-G-A. GRCh37 (hg19) VCF-style: chr16-3076540-G-A.
Other names: c.435G>A, p.Gly145= (NM_001142350.3, NM_001347704.2); c.363G>A, p.Gly121= (NM_001347703.2).
Identifiers: ClinVar variation 5041547 (VCV005041547.1).

ClinVar aggregate classification (germline): Likely benign (1 of 4 stars; one submission).

Submission:

CeGaT Center for Human Genetics Tuebingen
Classification: Likely benign. Last evaluated: 2026-09-01. Review status: criteria provided, single submitter. Criteria: CeGaT Center For Human Genetics Tuebingen Variant Classification Criteria Version 2. Collection method: clinical testing. Allele origin: germline. Affected: yes. Observed: 1 variant allele.
Comment: THOC6: BP4, BP7